The following is an entry in ClinVar:

NM_017780.4(CHD7):c.5109A>G (p.Thr1703=)

Gene: CHD7 (chromodomain helicase DNA binding protein 7; plus strand). Cytogenetic location: 8q12.2.
Variant type: single nucleotide variant.
Coding change: c.5109A>G on transcript NM_017780.4 (MANE Select); coding-DNA position 5109, A replaced by G.
Protein change: p.Thr1703=; no amino-acid change (threonine 1703 retained).
Molecular consequence: synonymous variant. On other transcripts: intron variant (1).
Genome position (GRCh38, 1-based): chr8:60,845,308, A>G. VCF-style: chr8-60845308-A-G. GRCh37 (hg19) VCF-style: chr8-61757867-A-G.
Other names: c.1717-16921A>G (NM_001316690.1).
Identifiers: ClinVar variation 1711677 (VCV001711677.30), dbSNP rs974674442, ClinGen allele CA177351241.

ClinVar aggregate classification (germline): Likely benign (1 of 4 stars; one submission).

Allele frequency attached by ClinVar (database versions not stated): gnomAD exomes below 0.00001; gnomAD 0.00001.
gnomAD v4.1: 8 of 1,613,900 alleles (0.0005%); highest among the groups gnomAD compares: Non-Finnish European, 0.00059%; no homozygotes.

Submission:

CeGaT Center for Human Genetics Tuebingen
Classification: Likely benign. Last evaluated: 2025-03-01. Review status: criteria provided, single submitter. Criteria: CeGaT Center For Human Genetics Tuebingen Variant Classification Criteria Version 2. Collection method: clinical testing. Allele origin: germline. Affected: yes. Observed: 2 variant alleles.
Comment: CHD7: BP4, BP7